The following is an entry in ClinVar:

NM_014251.3(SLC25A13):c.*792C>T

Gene: SLC25A13 (solute carrier family 25 member 13; minus strand). Cytogenetic location: 7q21.3.
Variant type: single nucleotide variant.
Coding change: c.*792C>T on transcript NM_014251.3 (MANE Select); 792 bases downstream of the stop codon, C replaced by T.
Molecular consequence: 3 prime UTR variant. On other transcripts: non-coding transcript variant (1).
Genome position (GRCh38, 1-based): chr7:96,120,399, G>A on the plus strand (C>T on the coding strand, the complement: SLC25A13 is on the minus strand). VCF-style: chr7-96120399-G-A. GRCh37 (hg19) VCF-style: chr7-95749711-G-A.
Other names: c.*792C>T (NM_001160210.2).
Identifiers: ClinVar variation 361000 (VCV000361000.7), dbSNP rs574119069, ClinGen allele CA4352676.

ClinVar aggregate classification (germline): Likely benign (1 of 4 stars; one submission).

Conditions:
Citrullinemia type II. Also called: Citrullinemia Type II (CTLN2). Identifiers: Orphanet 247585, MedGen C1863844, MONDO:0016603.

Allele frequency attached by ClinVar (database versions not stated): gnomAD 0.00019 and 0.00038; TOPMed 0.00029; 1000 Genomes Project 0.00040; 1000 Genomes Project 30x 0.00047; gnomAD exomes 0.00112 and 0.00118; ExAC 0.00528.
gnomAD v4.1: 403 of 454,184 alleles (0.089%); highest among the groups gnomAD compares: Middle Eastern, 1.1%; 5 homozygotes.

Submission:

Illumina Laboratory Services, Illumina
Classification: Likely benign for Citrullinemia, type II, adult-onset. Last evaluated: 2018-01-13. Review status: criteria provided, single submitter. Criteria: ICSL Variant Classification Criteria 13 December 2019. Collection method: clinical testing. Allele origin: germline.
Comment: This variant was observed in the ICSL laboratory as part of a predisposition screen in an ostensibly healthy population. It had not been previously curated by ICSL or reported in the Human Gene Mutation Database (HGMD: prior to June 1st, 2018), and was therefore a candidate for classification through an automated scoring system. Utilizing variant allele frequency, disease prevalence and penetrance estimates, and inheritance mode, an automated score was calculated to assess if this variant is too frequent to cause the disease. Based on the score and internal cut-off values, a variant classified as likely benign is not then subjected to further curation. The score for this variant resulted in a classification of likely benign for this disease.